The following is an entry in ClinVar:

ClinVar aggregate classification (germline): Uncertain significance. Review status: criteria provided, multiple submitters, no conflicts (2 of 4 stars). 3 submissions from 3 submitters: Uncertain significance (3). Last evaluated 2025-01-30.

Conditions:
Hennekam lymphangiectasia-lymphedema syndrome 2 (HKLLS2). Identifiers: Orphanet 2136, MedGen C4014939, MONDO:0014454, OMIM 616006.

gnomAD v4.1: 2 of 1,614,192 alleles (0.00012%); highest among the groups gnomAD compares: Middle Eastern, 0.016%; no homozygotes.

Submissions (3):

Labcorp Genetics (formerly Invitae), Labcorp
Classification: Uncertain significance. Last evaluated: 2025-01-30. Review status: criteria provided, single submitter. Criteria: Invitae Variant Classification Sherloc (09022015). Collection method: clinical testing. Allele origin: germline.
Comment: This sequence change replaces isoleucine, which is neutral and non-polar, with valine, which is neutral and non-polar, at codon 1478 of the FAT4 protein (p.Ile1478Val). This variant is not present in population databases (gnomAD no frequency). This variant has not been reported in the literature in individuals affected with FAT4-related conditions. ClinVar contains an entry for this variant (Variation ID: 1028321). Invitae Evidence Modeling of protein sequence and biophysical properties (such as structural, functional, and spatial information, amino acid conservation, physicochemical variation, residue mobility, and thermodynamic stability) has been performed for this missense variant. However, the output from this modeling did not meet the statistical confidence thresholds required to predict the impact of this variant on FAT4 protein function. In summary, the available evidence is currently insufficient to determine the role of this variant in disease. Therefore, it has been classified as a Variant of Uncertain Significance.

GeneDx
Classification: Uncertain significance. Last evaluated: 2022-03-17. Review status: criteria provided, single submitter. Criteria: GeneDx Variant Classification Process June 2021. Collection method: clinical testing. Allele origin: germline. Affected: yes.
Comment: Not observed at significant frequency in large population cohorts (gnomAD); In silico analysis supports that this missense variant does not alter protein structure/function; Has not been previously published as pathogenic or benign to our knowledge

Baylor Genetics
Classification: Uncertain significance for Hennekam lymphangiectasia-lymphedema syndrome 2. Last evaluated: 2019-09-22. Review status: criteria provided, single submitter. Criteria: ACMG Guidelines, 2015. Collection method: clinical testing. Allele origin: unknown. Affected: yes.
Comment: This variant was determined to be of uncertain significance according to ACMG Guidelines, 2015 [PMID:25741868].

NM_001291303.3(FAT4):c.4432A>G (p.Ile1478Val)

Gene: FAT4 (FAT atypical cadherin 4; plus strand). Cytogenetic location: 4q28.1.
Variant type: single nucleotide variant.
Coding change: c.4432A>G on transcript NM_001291303.3 (MANE Select); coding-DNA position 4432, A replaced by G.
Protein change: p.Ile1478Val; replaces isoleucine 1478 with valine.
Molecular consequence: missense variant.
Genome position (GRCh38, 1-based): chr4:125,320,843, A>G. VCF-style: chr4-125320843-A-G. GRCh37 (hg19) VCF-style: chr4-126241998-A-G.
Other names: c.4432A>G, p.Ile1478Val (NM_001291285.3, NM_024582.6); short protein forms I1478V.
Identifiers: ClinVar variation 1028321 (VCV001028321.5), dbSNP rs200565115, ClinGen allele CA358126400.